The following is an entry in ClinVar:

NM_198253.3(TERT):c.3026C>T (p.Ala1009Val)

Gene: TERT (telomerase reverse transcriptase; minus strand). Cytogenetic location: 5p15.33.
Variant type: single nucleotide variant.
Coding change: c.3026C>T on transcript NM_198253.3 (MANE Select); coding-DNA position 3026, C replaced by T.
Protein change: p.Ala1009Val; replaces alanine 1009 with valine.
Molecular consequence: missense variant. On other transcripts: non-coding transcript variant (2).
Genome position (GRCh38, 1-based): chr5:1,258,604, G>A on the plus strand (C>T on the coding strand, the complement: TERT is on the minus strand). VCF-style: chr5-1258604-G-A. GRCh37 (hg19) VCF-style: chr5-1258719-G-A.
Other names: c.2837C>T, p.Ala946Val (NM_001193376.3); short protein forms A1009V, A946V.
Identifiers: ClinVar variation 1065578 (VCV001065578.7), dbSNP rs866575708, ClinGen allele CA359068797.

ClinVar aggregate classification (germline): Likely pathogenic. Review status: criteria provided, multiple submitters, no conflicts (2 of 4 stars). 2 submissions from 2 submitters: Likely pathogenic (2). Last evaluated 2025-05-19.

Conditions:
Idiopathic Pulmonary Fibrosis. Also called: Idiopathic fibrosing alveolitis, chronic form; idiopathic fibrosing alveolitis. Identifiers: Orphanet 2032, MedGen C1800706, MeSH D054990, MONDO:0800504.
Dyskeratosis congenita, autosomal dominant 2. Identifiers: MedGen C3151443, MONDO:0013521, OMIM 613989.
Pulmonary fibrosis and/or bone marrow failure, Telomere-related, 1. Also called: PULMONARY FIBROSIS AND/OR BONE MARROW FAILURE SYNDROME, TELOMERE-RELATED, 1. Identifiers: Orphanet 88, MedGen C3553617, MONDO:0013878, OMIM 614742.

Allele frequency attached by ClinVar (database versions not stated): gnomAD exomes below 0.00001.
gnomAD v4.1: 2 of 1,568,184 alleles (0.00013%); highest among the groups gnomAD compares: Non-Finnish European, 0.00017%; no homozygotes.

Submissions (2):

Labcorp Genetics (formerly Invitae), Labcorp
Classification: Likely pathogenic for Dyskeratosis congenita, autosomal dominant 2; Idiopathic Pulmonary Fibrosis. Last evaluated: 2025-05-19. Review status: criteria provided, single submitter. Criteria: Invitae Variant Classification Sherloc (09022015). Collection method: clinical testing. Allele origin: germline.
Comment: This sequence change replaces alanine, which is neutral and non-polar, with valine, which is neutral and non-polar, at codon 1009 of the TERT protein (p.Ala1009Val). This variant is not present in population databases (gnomAD no frequency). This missense change has been observed in individuals with clinical features of TERT-related conditions (PMID: 27836952, 30523342; internal data). ClinVar contains an entry for this variant (Variation ID: 1065578). Invitae Evidence Modeling of protein sequence and biophysical properties (such as structural, functional, and spatial information, amino acid conservation, physicochemical variation, residue mobility, and thermodynamic stability) indicates that this missense variant is expected to disrupt TERT protein function with a positive predictive value of 95%. In summary, the currently available evidence indicates that the variant is pathogenic, but additional data are needed to prove that conclusively. Therefore, this variant has been classified as Likely Pathogenic.

Johns Hopkins Genomics, Johns Hopkins University
Classification: Likely pathogenic for Pulmonary fibrosis and/or bone marrow failure, Telomere-related, 1. Last evaluated: 2021-04-19. Review status: criteria provided, single submitter. Criteria: ACMG Guidelines, 2015. Collection method: clinical testing. Allele origin: germline.
Comment: c.3026C>T is absent from a large population dataset and has not been reported in ClinVar. Three bioinformatic tools queried predict that this substitution would be damaging. The alanine residue at this position is located within the highly conserved E-1 motif of the telomerase thumb domain and is evolutionarily conserved across most species assessed. We consider c.3026C>T to be likely pathogenic.

Literature cited by the submitters: PubMed 27836952 (cited by Labcorp Genetics (formerly Invitae), Labcorp and Johns Hopkins Genomics, Johns Hopkins University); PubMed 30523342 (cited by Labcorp Genetics (formerly Invitae), Labcorp and Johns Hopkins Genomics, Johns Hopkins University); PubMed 28154186 (cited by Johns Hopkins Genomics, Johns Hopkins University).